The following is an entry in ClinVar:

NM_004366.6(CLCN2):c.1357C>T (p.Pro453Ser)

Gene: CLCN2 (chloride voltage-gated channel 2; minus strand). Cytogenetic location: 3q27.1.
Variant type: single nucleotide variant.
Coding change: c.1357C>T on transcript NM_004366.6 (MANE Select); coding-DNA position 1357, C replaced by T.
Protein change: p.Pro453Ser; replaces proline 453 with serine.
Molecular consequence: missense variant.
Genome position (GRCh38, 1-based): chr3:184,354,943, G>A on the plus strand (C>T on the coding strand, the complement: CLCN2 is on the minus strand). VCF-style: chr3-184354943-G-A. GRCh37 (hg19) VCF-style: chr3-184072731-G-A.
Other names: c.1357C>T, p.Pro453Ser (NM_001171087.3, NM_001171089.3); c.1225C>T, p.Pro409Ser (NM_001171088.3); short protein forms P409S, P453S.
Identifiers: ClinVar variation 1984946 (VCV001984946.4), dbSNP rs367573666, ClinGen allele CA2734146.

ClinVar aggregate classification (germline): Uncertain significance (1 of 4 stars; one submission).

Allele frequency attached by ClinVar (database versions not stated): ExAC 0.00001; gnomAD exomes 0.00001; TOPMed 0.00001; ESP Exome Variant Server 0.00008.

Submission:

Labcorp Genetics (formerly Invitae), Labcorp
Classification: Uncertain significance. Last evaluated: 2022-11-01. Review status: criteria provided, single submitter. Criteria: Invitae Variant Classification Sherloc (09022015). Collection method: clinical testing. Allele origin: germline.
Comment: This sequence change replaces proline, which is neutral and non-polar, with serine, which is neutral and polar, at codon 453 of the CLCN2 protein (p.Pro453Ser). This variant is present in population databases (rs367573666, gnomAD 0.003%). This variant has not been reported in the literature in individuals affected with CLCN2-related conditions. Advanced modeling of protein sequence and biophysical properties (such as structural, functional, and spatial information, amino acid conservation, physicochemical variation, residue mobility, and thermodynamic stability) performed at Invitae indicates that this missense variant is expected to disrupt CLCN2 protein function. In summary, the available evidence is currently insufficient to determine the role of this variant in disease. Therefore, it has been classified as a Variant of Uncertain Significance.